The following is an entry in ClinVar:

ClinVar aggregate classification (germline): Conflicting classifications of pathogenicity. Review status: criteria provided, conflicting classifications (1 of 4 stars). 6 submissions from 6 submitters: Uncertain significance (1); Likely benign (3). 2 of the submissions do not count toward it. Last evaluated 2024-11-25.

Conditions:
Immunodeficiency due to MASP-2 deficiency. Also called: MASP2 deficiency; LECTIN COMPLEMENT ACTIVATION PATHWAY, DEFECT IN, 2. Identifiers: Orphanet 331187, MedGen C3151085, MONDO:0013423, OMIM 613791.

Allele frequency attached by ClinVar (database versions not stated): ExAC 0.00051; gnomAD exomes 0.00056 and 0.00065; gnomAD 0.00066 and 0.00068; ESP Exome Variant Server 0.00069; TOPMed 0.00084.
gnomAD v4.1: 967 of 1,613,776 alleles (0.06%); highest among the groups gnomAD compares: Middle Eastern, 1.3%; 6 homozygotes.

Submissions (6):

Blueprint Genetics
Classification: Likely benign. Last evaluated: 2024-11-25. Review status: criteria provided, single submitter. Criteria: ACMG Guidelines, 2015. Collection method: clinical testing. Allele origin: germline.

CeGaT Center for Human Genetics Tuebingen
Classification: Likely benign. Last evaluated: 2023-09-01. Review status: criteria provided, single submitter. Criteria: CeGaT Center For Human Genetics Tuebingen Variant Classification Criteria Version 2. Collection method: clinical testing. Allele origin: germline. Affected: yes. Observed: 1 variant allele.
Comment: MASP2: BP4

Center for Genomics, Ann and Robert H. Lurie Children's Hospital of Chicago
Classification: Uncertain significance for Immunodeficiency due to MASP-2 deficiency. Last evaluated: 2021-03-30. Review status: criteria provided, single submitter. Criteria: ACMG Guidelines, 2015. Collection method: clinical testing. Allele origin: germline.
Comment: MASP2 NM_006610.3 exon 3 p.Arg118Cys (c.352C>T): This variant has been reported in the literature in at least 1 individual with very early onset inflammatory bowel disease (VEO-IBD) (Kelsen 2015 PMID:26193622). This variant is present in 0.1% (51/35414) of Latino alleles in the Genome Aggregation Database. Evolutionary conservation suggests that this variant may not impact the protein; computational predictive tools for this variant are unclear. In summary, data on this variant is insufficient for disease classification. Therefore, the clinical significance of this variant is uncertain.

Illumina Laboratory Services, Illumina
Classification: Likely benign for Immunodeficiency due to MASP-2 deficiency. Last evaluated: 2017-04-27. Review status: criteria provided, single submitter. Criteria: ICSL Variant Classification Criteria 13 December 2019. Collection method: clinical testing. Allele origin: germline.
Comment: This variant was observed as part of a predisposition screen in an ostensibly healthy population. A literature search was performed for the gene, cDNA change, and amino acid change (where applicable). Publications were found based on this search. The evidence from the literature, in combination with allele frequency data from public databases where available, was sufficient to determine this variant is unlikely to cause disease. Therefore, this variant is classified as likely benign.

Clinical Genetics DNA and cytogenetics Diagnostics Lab, Erasmus MC, Erasmus Medical Center
Classification: Uncertain significance. Review status: no assertion criteria provided. Collection method: clinical testing. Allele origin: germline. Affected: yes. Study: VKGL Data-share Consensus. Not counted in ClinVar's aggregate classification.

Diagnostic Laboratory, Department of Genetics, University Medical Center Groningen
Classification: Uncertain significance. Review status: no assertion criteria provided. Collection method: clinical testing. Allele origin: germline. Affected: yes. Study: VKGL Data-share Consensus. Not counted in ClinVar's aggregate classification.

Literature cited by the submitters: PubMed 17252003 (cited by Illumina Laboratory Services, Illumina); PubMed 16029433 (cited by Illumina Laboratory Services, Illumina).

NM_006610.4(MASP2):c.352C>T (p.Arg118Cys)

Gene: MASP2 (MBL associated serine protease 2; minus strand). Cytogenetic location: 1p36.22.
Variant type: single nucleotide variant.
Coding change: c.352C>T on transcript NM_006610.4 (MANE Select); coding-DNA position 352, C replaced by T.
Protein change: p.Arg118Cys; replaces arginine 118 with cysteine.
Molecular consequence: missense variant.
Genome position (GRCh38, 1-based): chr1:11,046,616, G>A on the plus strand (C>T on the coding strand, the complement: MASP2 is on the minus strand). VCF-style: chr1-11046616-G-A. GRCh37 (hg19) VCF-style: chr1-11106673-G-A.
Other names: c.352C>T, p.Arg118Cys (NM_139208.3); short protein forms R118C.
Identifiers: ClinVar variation 874902 (VCV000874902.37), dbSNP rs147270785, ClinGen allele CA587176.